The following is an entry in ClinVar:

ClinVar aggregate classification (germline): Uncertain significance (1 of 4 stars; one submission).

Conditions:
Noonan syndrome 9 (NS9). Identifiers: Orphanet 648, MedGen C4225282, MONDO:0014691, OMIM 616559.

Submission:

Labcorp Genetics (formerly Invitae), Labcorp
Classification: Uncertain significance for Noonan syndrome 9. Last evaluated: 2024-01-11. Review status: criteria provided, single submitter. Criteria: Invitae Variant Classification Sherloc (09022015). Collection method: clinical testing. Allele origin: germline.
Comment: This sequence change replaces aspartic acid, which is acidic and polar, with glutamic acid, which is acidic and polar, at codon 1156 of the SOS2 protein (p.Asp1156Glu). This variant is not present in population databases (gnomAD no frequency). This variant has not been reported in the literature in individuals affected with SOS2-related conditions. Advanced modeling of protein sequence and biophysical properties (such as structural, functional, and spatial information, amino acid conservation, physicochemical variation, residue mobility, and thermodynamic stability) performed at Invitae indicates that this missense variant is not expected to disrupt SOS2 protein function with a negative predictive value of 95%. In summary, the available evidence is currently insufficient to determine the role of this variant in disease. Therefore, it has been classified as a Variant of Uncertain Significance.

NM_006939.4(SOS2):c.3468T>A (p.Asp1156Glu)

Gene: SOS2 (SOS Ras/Rho guanine nucleotide exchange factor 2; minus strand). Cytogenetic location: 14q21.3.
Variant type: single nucleotide variant.
Coding change: c.3468T>A on transcript NM_006939.4 (MANE Select); coding-DNA position 3468, T replaced by A.
Protein change: p.Asp1156Glu; replaces aspartic acid 1156 with glutamic acid.
Molecular consequence: missense variant.
Genome position (GRCh38, 1-based): chr14:50,120,296, A>T on the plus strand (T>A on the coding strand, the complement: SOS2 is on the minus strand). VCF-style: chr14-50120296-A-T. GRCh37 (hg19) VCF-style: chr14-50587014-A-T.
Other names: c.3369T>A, p.Asp1123Glu (NM_001411020.1); short protein forms D1156E, D1123E.
Identifiers: ClinVar variation 3001622 (VCV003001622.3), dbSNP rs2502768173, ClinGen allele CA389639057.